The following is an entry in ClinVar:

NM_054012.4(ASS1):c.1166C>T (p.Thr389Ile)

Gene: ASS1 (argininosuccinate synthase 1; plus strand). Cytogenetic location: 9q34.11.
Variant type: single nucleotide variant.
Coding change: c.1166C>T on transcript NM_054012.4 (MANE Select); coding-DNA position 1166, C replaced by T.
Protein change: p.Thr389Ile; replaces threonine 389 with isoleucine.
Molecular consequence: missense variant.
Genome position (GRCh38, 1-based): chr9:130,499,543, C>T. VCF-style: chr9-130499543-C-T. GRCh37 (hg19) VCF-style: chr9-133374930-C-T.
Other names: c.1166C>T, p.Thr389Ile (NM_000050.4); short protein forms T389I.
Identifiers: ClinVar variation 645842 (VCV000645842.15), dbSNP rs1474017319, ClinGen allele CA375232698.
Genomic context (GRCh38, chr9:130,499,543, plus strand): 5'-CAAGCTTCTACTCTCCTTGCAGCATGAACGTGCAGGGTGATTATGAGCCAACTGATGCCA[C>T]CGGGTTCATCAACATCAATTCCCTCAGGTGAGAAGCTCAGGGCCCTGACGGGCCTTCAGA-3'
Protein context (NP_446464.1, residues 379-399): VQGDYEPTDA[Thr389Ile]GFININSLRL

ClinVar aggregate classification (germline): Conflicting classifications of pathogenicity. Review status: criteria provided, conflicting classifications (1 of 4 stars). 3 submissions from 3 submitters: Pathogenic (1); Likely pathogenic (1); Uncertain significance (1). Last evaluated 2025-05-15.

Conditions:
Citrullinemia. Identifiers: Orphanet 187, MedGen C0175683, MONDO:0015991.
Citrullinemia type I (CTNL1). Also called: argininosuccinate synthetase deficiency; ASS DEFICIENCY. Identifiers: Orphanet 247525, MedGen C4721769, MONDO:0008988, OMIM 215700.

Allele frequency attached by ClinVar (database versions not stated): gnomAD exomes below 0.00001; TOPMed below 0.00001.
gnomAD v4.1: 5 of 1,613,860 alleles (0.00031%); highest among the groups gnomAD compares: African/African-American, 0.0013%; no homozygotes.

Submissions (3):

Labcorp Genetics (formerly Invitae), Labcorp
Classification: Pathogenic for Citrullinemia. Last evaluated: 2025-05-15. Review status: criteria provided, single submitter. Criteria: Invitae Variant Classification Sherloc (09022015). Collection method: clinical testing. Allele origin: germline.
Comment: This sequence change replaces threonine, which is neutral and polar, with isoleucine, which is neutral and non-polar, at codon 389 of the ASS1 protein (p.Thr389Ile). This variant is present in population databases (no rsID available, gnomAD 0.0009%). This missense change has been observed in individual(s) with clinical features of citrullinemia (internal data). In at least one individual the data is consistent with being in trans (on the opposite chromosome) from a pathogenic variant. ClinVar contains an entry for this variant (Variation ID: 645842). Invitae Evidence Modeling of protein sequence and biophysical properties (such as structural, functional, and spatial information, amino acid conservation, physicochemical variation, residue mobility, and thermodynamic stability) indicates that this missense variant is not expected to disrupt ASS1 protein function with a negative predictive value of 80%. Experimental studies have shown that this missense change affects ASS1 function (PMID: 20724589). For these reasons, this variant has been classified as Pathogenic.

Natera, Inc.
Classification: Likely pathogenic for Citrullinemia type I. Last evaluated: 2024-10-03. Review status: criteria provided, single submitter. Criteria: Natera Variant Classification Schema (03/2026). Collection method: clinical testing. Allele origin: germline.
Comment: The c.1166C>T variant in ASS1 is a missense variant predicted to cause substitution of threonine to isoleucine at amino acid 389. This variant is rare in the general population with a frequency below the threshold expected for the associated phenotype(s). This variant has been observed in one or more individuals affected with the associated recessive disease, as either homozygous or compound heterozygous with a second variant (PMID: 12815590). Functional studies show that this variant may disrupt protein function (PMID: 20724589). Given the available evidence, this variant is classified as Likely Pathogenic.

Women's Health and Genetics/Laboratory Corporation of America, LabCorp
Classification: Uncertain significance. Last evaluated: 2023-06-05. Review status: criteria provided, single submitter. Criteria: LabCorp Variant Classification Summary - May 2015. Collection method: clinical testing. Allele origin: germline.
Comment: Variant summary: ASS1 c.1166C>T (p.Thr389Ile) results in a non-conservative amino acid change in the encoded protein sequence. Three of five in-silico tools predict a damaging effect of the variant on protein function. The variant allele was found at a frequency of 4e-06 in 250708 control chromosomes (gnomAD). c.1166C>T has been reported in the literature in the compound heterozygous state in trans with a pathogenic variant in an individual affected with Citrullinemia Type I (Gao_2003). These data do not allow any strong conclusion about variant significance. One publication reports experimental evidence evaluating an impact on protein function in a mouse model of citrullinemia type I (Perez_2010). Mice that were homozygous for the variant exhibited an increase in plasma citrulline and had ASS1 liver activity approximately 10% of WT littermates, indicating that this variant impacts protein function and suggesting it may similarly impair ASS1 activity in humans. The following publications have been ascertained in the context of this evaluation (PMID: 12815590, 20724589). Two clinical diagnostic laboratories have submitted clinical-significance assessments for this variant to ClinVar after 2014 and both classified the variant as likely pathogenic. Based on the evidence outlined above, the variant was classified as VUS-possibly pathogenic.

Literature cited by the submitters: PubMed 20724589 (cited by 3 submitters); PubMed 12815590 (cited by Natera, Inc. and Women's Health and Genetics/Laboratory Corporation of America, LabCorp).